The following is an entry in ClinVar:

ClinVar aggregate classification (germline): Uncertain significance (1 of 4 stars; one submission).

Allele frequency attached by ClinVar (database versions not stated): gnomAD exomes below 0.00001.
gnomAD v4.1: 2 of 1,207,837 alleles (0.00017%); highest among the groups gnomAD compares: Non-Finnish European, 0.00022%; no homozygotes.

Submission:

GeneDx
Classification: Uncertain significance. Last evaluated: 2023-03-26. Review status: criteria provided, single submitter. Criteria: GeneDx Variant Classification Process June 2021. Collection method: clinical testing. Allele origin: germline. Affected: yes.
Comment: Not observed at significant frequency in large population cohorts (gnomAD); In silico analysis supports that this missense variant does not alter protein structure/function; Has not been previously published as pathogenic or benign to our knowledge

NM_004187.5(KDM5C):c.4004C>T (p.Pro1335Leu)

Gene: KDM5C (lysine demethylase 5C; minus strand). Cytogenetic location: Xp11.22.
Variant type: single nucleotide variant.
Coding change: c.4004C>T on transcript NM_004187.5 (MANE Select); coding-DNA position 4004, C replaced by T.
Protein change: p.Pro1335Leu; replaces proline 1335 with leucine.
Molecular consequence: missense variant. On other transcripts: non-coding transcript variant (3).
Genome position (GRCh38, 1-based): chrX:53,194,173, G>A on the plus strand (C>T on the coding strand, the complement: KDM5C is on the minus strand). VCF-style: chrX-53194173-G-A. GRCh37 (hg19) VCF-style: chrX-53223355-G-A.
Other names: c.3803C>T, p.Pro1268Leu (NM_001146702.2); c.4001C>T, p.Pro1334Leu (NM_001282622.3, NM_001353979.2, NM_001353982.2); c.4004C>T, p.Pro1335Leu (NM_001353978.3, NM_001353981.2, NM_001353984.2); short protein forms P1268L, P1334L, P1335L.
Identifiers: ClinVar variation 2581940 (VCV002581940.1), dbSNP rs2519371968, ClinGen allele CA413105917.